The following is an entry in ClinVar:

NM_018297.4(NGLY1):c.276_279delinsGCC (p.Ala93fs)

Gene: NGLY1 (N-glycanase 1; minus strand). Cytogenetic location: 3p24.2.
Variant type: Indel.
Coding change: c.276_279delinsGCC on transcript NM_018297.4 (MANE Select); coding-DNA positions 276 to 279, AGCT replaced by GCC.
Protein change: p.Ala93fs; shifts the reading frame from alanine 93.
Molecular consequence: frameshift variant.
Genome position (GRCh38, 1-based): chr3:25,764,279-25,764,282, AGCT replaced by GGC on the plus strand (AGCT replaced by GCC on the coding strand, the reverse complement: NGLY1 is on the minus strand). VCF-style: chr3-25764279-AGCT-GGC. GRCh37 (hg19) VCF-style: chr3-25805770-AGCT-GGC.
Other names: c.276_279delinsGCC, p.Ala93fs (NM_001145293.2, NM_001145295.2); c.150_153delinsGCC, p.Ala51fs (NM_001145294.2); short protein forms A51fs, A93fs.
Identifiers: ClinVar variation 4848302 (VCV004848302.1).

ClinVar aggregate classification (germline): Pathogenic (1 of 4 stars; one submission).

Conditions:
Congenital disorder of deglycosylation (CDDG). Identifiers: MedGen C3808991, MONDO:0031376.

Submission:

Women's Health and Genetics/Laboratory Corporation of America, LabCorp
Classification: Pathogenic for Congenital disorder of deglycosylation. Last evaluated: 2026-02-17. Review status: criteria provided, single submitter. Criteria: LabCorp Variant Classification Summary - May 2015. Collection method: clinical testing. Allele origin: germline.
Comment: Variant summary: NGLY1 c.276_279delinsGCC (p.Ala93ProfsX12) results in a premature termination codon, predicted to cause a truncation of the encoded protein or absence of the protein due to nonsense mediated decay, which are commonly known mechanisms for disease. The variant was absent in 1613868 control chromosomes. To our knowledge, no occurrence of c.276_279delinsGCC in individuals affected with NGLY1-related conditions and no experimental evidence demonstrating its impact on protein function have been reported. No submitters have cited clinical-significance assessments for this variant to ClinVar. Based on the evidence outlined above, the variant was classified as pathogenic.